The following is an entry in ClinVar:

NM_033305.3(VPS13A):c.6841G>T (p.Gly2281Ter)

Gene: VPS13A (vacuolar protein sorting 13 homolog A; plus strand). Cytogenetic location: 9q21.2.
Variant type: single nucleotide variant.
Coding change: c.6841G>T on transcript NM_033305.3 (MANE Select); coding-DNA position 6841, G replaced by T.
Protein change: p.Gly2281Ter; replaces glycine 2281 with a stop codon.
Molecular consequence: nonsense.
Genome position (GRCh38, 1-based): chr9:77,340,244, G>T. VCF-style: chr9-77340244-G-T. GRCh37 (hg19) VCF-style: chr9-79955160-G-T.
Other names: c.6724G>T, p.Gly2242Ter (NM_001018037.2); c.6841G>T, p.Gly2281Ter (NM_001018038.3, NM_015186.4); short protein forms G2242*, G2281*.
Identifiers: ClinVar variation 1071099 (VCV001071099.46), dbSNP rs1409058629, ClinGen allele CA373851747.

ClinVar aggregate classification (germline): Pathogenic/Likely pathogenic. Review status: criteria provided, multiple submitters, no conflicts (2 of 4 stars). 2 submissions from 2 submitters: Pathogenic (1); Likely pathogenic (1). Last evaluated 2025-09-02.

Conditions:
VPS13A-related neurodegenerative disease. Also called: LEVINE-CRITCHLEY SYNDROME; Choreoacanthocytosis; ACANTHOCYTOSIS WITH NEUROLOGIC DISORDER; Chorea-acanthocytosis; Choreaacanthocytosis; VPS13A Disease. Identifiers: Orphanet 2388, MedGen C0393576, MONDO:0008695, OMIM 200150.

Allele frequency attached by ClinVar (database versions not stated): gnomAD exomes below 0.00001 and 0.00001.
gnomAD v4.1: 8 of 1,613,334 alleles (0.0005%); highest among the groups gnomAD compares: Non-Finnish European, 0.00068%; no homozygotes.

Submissions (2):

Labcorp Genetics (formerly Invitae), Labcorp
Classification: Pathogenic. Last evaluated: 2025-09-02. Review status: criteria provided, single submitter. Criteria: Invitae Variant Classification Sherloc (09022015). Collection method: clinical testing. Allele origin: germline.
Comment: This sequence change creates a premature translational stop signal (p.Gly2281*) in the VPS13A gene. It is expected to result in an absent or disrupted protein product. Loss-of-function variants in VPS13A are known to be pathogenic (PMID: 12404112, 21598378). This variant is present in population databases (no rsID available, gnomAD 0.0009%). This variant has not been reported in the literature in individuals affected with VPS13A-related conditions. ClinVar contains an entry for this variant (Variation ID: 1071099). Algorithms developed to predict the effect of sequence changes on RNA splicing suggest that this variant may disrupt the consensus splice site. For these reasons, this variant has been classified as Pathogenic.

Natera, Inc.
Classification: Likely pathogenic for Choreaacanthocytosis. Last evaluated: 2024-03-19. Review status: criteria provided, single submitter. Criteria: Natera Variant Classification Schema (03/2026). Collection method: clinical testing. Allele origin: germline.
Comment: The c.6841G>T variant in VPS13A is a nonsense variant predicted to introduce a stop codon at amino acid 2281. This variant is expected to result in nonsense mediated decay, truncation, or a dysfunctional protein product. This variant is rare in the general population with a frequency below the threshold expected for the associated phenotype(s). Given the available evidence, this variant is classified as Likely Pathogenic.

Literature cited by the submitters: PubMed 12404112 (cited by Labcorp Genetics (formerly Invitae), Labcorp); PubMed 21598378 (cited by Labcorp Genetics (formerly Invitae), Labcorp).